The following is an entry in ClinVar:

ClinVar aggregate classification (germline): Uncertain significance (1 of 4 stars; one submission).

gnomAD v4.1: 4 of 1,613,734 alleles (0.00025%); highest among the groups gnomAD compares: Non-Finnish European, 0.00034%; no homozygotes.

Submission:

Women's Health and Genetics/Laboratory Corporation of America, LabCorp
Classification: Uncertain significance. Last evaluated: 2025-05-27. Review status: criteria provided, single submitter. Criteria: LabCorp Variant Classification Summary - May 2015. Collection method: clinical testing. Allele origin: germline.
Comment: Variant summary: TTN c.10913T>C (p.Leu3638Ser) results in a non-conservative amino acid change in the encoded protein sequence. Algorithms developed to predict the effect of missense changes on protein structure and function are either unavailable or do not agree on the potential impact of this missense change. The frequency data for this variant in gnomAD is considered unreliable, as metrics indicate poor data quality at this position. To our knowledge, no occurrence of c.10913T>C in individuals affected with Autosomal Recessive Titinopathy and no experimental evidence demonstrating its impact on protein function have been reported. No submitters have cited clinical-significance assessments for this variant to ClinVar. Based on the evidence outlined above, the variant was classified as uncertain significance.

NM_001267550.2(TTN):c.14645T>C (p.Leu4882Ser)

Gene: TTN (titin; minus strand). Cytogenetic location: 2q31.2.
Variant type: single nucleotide variant.
Coding change: c.14645T>C on transcript NM_001267550.2 (MANE Select); coding-DNA position 14645, T replaced by C.
Protein change: p.Leu4882Ser; replaces leucine 4882 with serine.
Molecular consequence: missense variant. On other transcripts: intron variant (3).
Genome position (GRCh38, 1-based): chr2:178,735,801, A>G on the plus strand (T>C on the coding strand, the complement: TTN is on the minus strand). VCF-style: chr2-178735801-A-G. GRCh37 (hg19) VCF-style: chr2-179600528-A-G.
Other names: c.13694T>C, p.Leu4565Ser (NM_001256850.1); c.10913T>C, p.Leu3638Ser (NM_133378.4); c.13282+2281T>C (NM_003319.4); c.13858+2281T>C (NM_133437.4); c.13657+2281T>C (NM_133432.3); short protein forms L3638S, L4565S, L4882S.
Identifiers: ClinVar variation 3902657 (VCV003902657.1).